The following is an entry in ClinVar:

ClinVar aggregate classification (germline): Uncertain significance (1 of 4 stars; one submission).

Conditions:
Charcot-Marie-Tooth disease axonal type 2O. Also called: CHARCOT-MARIE-TOOTH NEUROPATHY, AXONAL, TYPE 2O; CHARCOT-MARIE-TOOTH DISEASE, AXONAL, AUTOSOMAL DOMINANT, TYPE 2O; Charcot-Marie-Tooth Neuropathy Type 2O; Charcot-Marie-Tooth disease, axonal, type 20. Identifiers: Orphanet 284232, MedGen C3280220, MONDO:0013644, OMIM 614228.

Allele frequency attached by ClinVar (database versions not stated): ExAC 0.00001; gnomAD 0.00001.
gnomAD v4.1: 2 of 1,613,998 alleles (0.00012%); highest among the groups gnomAD compares: Non-Finnish European, 0.000085%; no homozygotes.

Submission:

Labcorp Genetics (formerly Invitae), Labcorp
Classification: Uncertain significance for Charcot-Marie-Tooth disease axonal type 2O. Last evaluated: 2025-08-28. Review status: criteria provided, single submitter. Criteria: Invitae Variant Classification Sherloc (09022015). Collection method: clinical testing. Allele origin: germline.
Comment: This sequence change falls in intron 42 of the DYNC1H1 gene. It does not directly change the encoded amino acid sequence of the DYNC1H1 protein. It affects a nucleotide within the consensus splice site. This variant is present in population databases (rs753894370, gnomAD 0.005%). This variant has not been reported in the literature in individuals affected with DYNC1H1-related conditions. ClinVar contains an entry for this variant (Variation ID: 2043026). Variants that disrupt the consensus splice site are a relatively common cause of aberrant splicing (PMID: 17576681, 9536098). Algorithms developed to predict the effect of sequence changes on RNA splicing suggest that this variant is not likely to affect RNA splicing. In summary, the available evidence is currently insufficient to determine the role of this variant in disease. Therefore, it has been classified as a Variant of Uncertain Significance.

Literature cited by the submitters: PubMed 17576681; PubMed 9536098.

NM_001376.5(DYNC1H1):c.8508-3C>T

Gene: DYNC1H1 (dynein cytoplasmic 1 heavy chain 1; plus strand). Cytogenetic location: 14q32.31.
Variant type: single nucleotide variant.
Coding change: c.8508-3C>T on transcript NM_001376.5 (MANE Select); 3 bases into the intron before coding-DNA position 8508, C replaced by T.
Molecular consequence: intron variant.
Genome position (GRCh38, 1-based): chr14:102,022,748, C>T. VCF-style: chr14-102022748-C-T. GRCh37 (hg19) VCF-style: chr14-102489085-C-T.
Identifiers: ClinVar variation 2043026 (VCV002043026.4), dbSNP rs753894370, ClinGen allele CA7353047.